The following is an entry in ClinVar:

ClinVar aggregate classification (germline): Uncertain significance (1 of 4 stars; one submission).

Conditions:
Cardiovascular phenotype. Identifiers: MedGen CN230736.
Hereditary cancer-predisposing syndrome. Also called: Neoplastic Syndromes, Hereditary; Tumor predisposition; Hereditary Cancer Syndrome; Hereditary neoplastic syndrome. Identifiers: Orphanet 140162, MedGen C0027672, MeSH D009386, MONDO:0015356.

gnomAD v4.1: 3 of 1,612,484 alleles (0.00019%); highest among the groups gnomAD compares: African/African-American, 0.0027%; no homozygotes.

Submission:

Ambry Genetics
Classification: Uncertain significance for Cardiovascular phenotype; Hereditary cancer-predisposing syndrome. Last evaluated: 2026-04-15. Review status: criteria provided, single submitter. Criteria: Ambry Variant Classification Scheme 2023. Collection method: clinical testing. Allele origin: germline.
Comment: The c.1665G>C variant (also known as p.L555L), located in coding exon 15 of the LZTR1 gene, results from a G to C substitution at nucleotide position 1665. This nucleotide substitution does not change the leucine at codon 555. This nucleotide position is not well conserved in available vertebrate species. In silico splice site analysis predicts that this alteration will result in the creation or strengthening of a novel splice acceptor site. Based on the available evidence, the clinical significance of this variant remains unclear.

NM_006767.4(LZTR1):c.1665G>C (p.Leu555=)

Gene: LZTR1 (leucine zipper like post translational regulator 1; plus strand). Cytogenetic location: 22q11.21.
Variant type: single nucleotide variant.
Coding change: c.1665G>C on transcript NM_006767.4 (MANE Select); coding-DNA position 1665, G replaced by C.
Protein change: p.Leu555=; no amino-acid change (leucine 555 retained).
Molecular consequence: synonymous variant.
Genome position (GRCh38, 1-based): chr22:20,994,607, G>C. VCF-style: chr22-20994607-G-C. GRCh37 (hg19) VCF-style: chr22-21348896-G-C.
Identifiers: ClinVar variation 4859351 (VCV004859351.1).